The following is an entry in ClinVar:

NM_000038.6(APC):c.1321C>T (p.Pro441Ser)

Gene: APC (APC regulator of Wnt signaling pathway; plus strand). Cytogenetic location: 5q22.2.
Variant type: single nucleotide variant.
Coding change: c.1321C>T on transcript NM_000038.6 (MANE Select); coding-DNA position 1321, C replaced by T.
Protein change: p.Pro441Ser; replaces proline 441 with serine.
Molecular consequence: missense variant. On other transcripts: non-coding transcript variant (2).
Genome position (GRCh38, 1-based): chr5:112,821,904, C>T. VCF-style: chr5-112821904-C-T. GRCh37 (hg19) VCF-style: chr5-112157601-C-T.
Other names: c.1321C>T, p.Pro441Ser (NM_001127510.3, NM_001354895.2, NM_001354896.2 and 4 more transcripts); c.1267C>T, p.Pro423Ser (NM_001127511.3); c.1351C>T, p.Pro451Ser (NM_001354897.2, NM_001407446.1); c.1246C>T, p.Pro416Ser (NM_001354898.2, NM_001407451.1); c.1237C>T, p.Pro413Ser (NM_001354899.2, NM_001407452.1); c.1144C>T, p.Pro382Ser (NM_001354900.2, NM_001354901.2, NM_001407453.1); c.1048C>T, p.Pro350Ser (NM_001354902.2); c.1018C>T, p.Pro340Ser (NM_001354903.2, NM_001407454.1, NM_001407455.1 and 5 more transcripts); and 5 more; short protein forms P281S, P315S, P340S, P382S, P441S, P413S, P350S, P416S.
Identifiers: ClinVar variation 2763216 (VCV002763216.3), dbSNP rs1444245614, ClinGen allele CA16024199.

ClinVar aggregate classification (germline): Uncertain significance (1 of 4 stars; one submission).

Conditions:
Familial adenomatous polyposis 1 (FAP1). Also called: POLYPOSIS, ADENOMATOUS INTESTINAL; FAMILIAL ADENOMATOUS POLYPOSIS 1, ATTENUATED. Identifiers: MedGen C2713442, MONDO:0021056, OMIM 175100. Disease mechanism: loss of function.

Submission:

Labcorp Genetics (formerly Invitae), Labcorp
Classification: Uncertain significance for Familial adenomatous polyposis 1. Last evaluated: 2023-09-26. Review status: criteria provided, single submitter. Criteria: Invitae Variant Classification Sherloc (09022015). Collection method: clinical testing. Allele origin: germline.
Comment: In summary, the available evidence is currently insufficient to determine the role of this variant in disease. Therefore, it has been classified as a Variant of Uncertain Significance. Advanced modeling of protein sequence and biophysical properties (such as structural, functional, and spatial information, amino acid conservation, physicochemical variation, residue mobility, and thermodynamic stability) performed at Invitae indicates that this missense variant is not expected to disrupt APC protein function. This variant has not been reported in the literature in individuals affected with APC-related conditions. This variant is not present in population databases (gnomAD no frequency). This sequence change replaces proline, which is neutral and non-polar, with serine, which is neutral and polar, at codon 441 of the APC protein (p.Pro441Ser).